The following is an entry in ClinVar:

ClinVar aggregate classification (germline): Uncertain significance. Review status: criteria provided, multiple submitters, no conflicts (2 of 4 stars). 3 submissions from 3 submitters: Uncertain significance (3). Last evaluated 2024-11-22.

Conditions:
Glycogen storage disease, type VII (GSD7). Also called: GSD VII; MUSCLE PHOSPHOFRUCTOKINASE DEFICIENCY; PFKM DEFICIENCY; TARUI DISEASE. Identifiers: Orphanet 371, MedGen C0017926, MONDO:0009295, OMIM 232800.

Allele frequency attached by ClinVar (database versions not stated): gnomAD exomes 0.00001 and 0.00002; TOPMed 0.00001; ExAC 0.00002; ESP Exome Variant Server 0.00008.

Submissions (3):

Revvity Omics, Revvity
Classification: Uncertain significance for Glycogen storage disease, type VII. Last evaluated: 2024-11-22. Review status: criteria provided, single submitter. Criteria: ACMG Guidelines, 2015. Collection method: clinical testing. Allele origin: germline.

Labcorp Genetics (formerly Invitae), Labcorp
Classification: Uncertain significance for Glycogen storage disease, type VII. Last evaluated: 2024-10-05. Review status: criteria provided, single submitter. Criteria: Invitae Variant Classification Sherloc (09022015). Collection method: clinical testing. Allele origin: germline.
Comment: This sequence change replaces threonine, which is neutral and polar, with alanine, which is neutral and non-polar, at codon 172 of the PFKM protein (p.Thr172Ala). This variant is present in population databases (rs139800248, gnomAD 0.003%). This variant has not been reported in the literature in individuals affected with PFKM-related conditions. ClinVar contains an entry for this variant (Variation ID: 883790). Invitae Evidence Modeling of protein sequence and biophysical properties (such as structural, functional, and spatial information, amino acid conservation, physicochemical variation, residue mobility, and thermodynamic stability) has been performed for this missense variant. However, the output from this modeling did not meet the statistical confidence thresholds required to predict the impact of this variant on PFKM protein function. In summary, the available evidence is currently insufficient to determine the role of this variant in disease. Therefore, it has been classified as a Variant of Uncertain Significance.

Illumina Laboratory Services, Illumina
Classification: Uncertain significance for Glycogen storage disease, type VII. Last evaluated: 2018-01-12. Review status: criteria provided, single submitter. Criteria: ICSL Variant Classification Criteria 13 December 2019. Collection method: clinical testing. Allele origin: germline.

NM_000289.6(PFKM):c.514A>G (p.Thr172Ala)

Gene: PFKM (phosphofructokinase, muscle; plus strand). Cytogenetic location: 12q13.11.
Variant type: single nucleotide variant.
Coding change: c.514A>G on transcript NM_000289.6 (MANE Select); coding-DNA position 514, A replaced by G.
Protein change: p.Thr172Ala; replaces threonine 172 with alanine.
Molecular consequence: missense variant. On other transcripts: non-coding transcript variant (6).
Genome position (GRCh38, 1-based): chr12:48,133,401, A>G. VCF-style: chr12-48133401-A-G. GRCh37 (hg19) VCF-style: chr12-48527184-A-G.
Other names: c.727A>G, p.Thr243Ala (NM_001166686.2, NM_001354737.1, NM_001354738.1 and 1 more transcripts); c.514A>G, p.Thr172Ala (NM_001166687.2, NM_001166688.2, NM_001354742.2 and 4 more transcripts); c.823A>G, p.Thr275Ala (NM_001354735.1, NM_001354736.1); c.658A>G, p.Thr220Ala (NM_001354740.1); c.538A>G, p.Thr180Ala (NM_001354741.2); c.427A>G, p.Thr143Ala (NM_001354745.2); c.364A>G, p.Thr122Ala (NM_001354747.2, NM_001354748.2); short protein forms T122A, T172A, T220A, T243A, T143A, T180A, T275A.
Identifiers: ClinVar variation 883790 (VCV000883790.7), dbSNP rs139800248, ClinGen allele CA6537016.